The following is an entry in ClinVar:

NM_001042492.3(NF1):c.2099del (p.Thr700fs)

Gene: NF1 (neurofibromin 1; plus strand). Cytogenetic location: 17q11.2.
Variant type: Deletion.
Coding change: c.2099del on transcript NM_001042492.3 (MANE Select); coding-DNA position 2099, one base deleted (C; older notation c.2099delC).
Protein change: p.Thr700fs; shifts the reading frame from threonine 700.
Molecular consequence: frameshift variant.
Genome position (GRCh38, 1-based): chr17:31,226,532, C deleted. VCF-style (leftmost placement, unchanged base first): chr17-31226531-AC-A. GRCh37 (hg19) VCF-style: chr17-29553549-AC-A.
Other names: c.2099delC (NM_000267.3); c.2099delC, p.Thr700Metfs (NM_000267.4); short protein forms T700fs.
Identifiers: ClinVar variation 2501062 (VCV002501062.1), dbSNP rs2508156129, ClinGen allele CA2580614062.

ClinVar aggregate classification (germline): Likely pathogenic (1 of 4 stars; one submission).

Conditions:
Neurofibromatosis, type 1 (NF1). Also called: Peripheral type neurofibromatosis; Neurofibromatosis, type I; VON RECKLINGHAUSEN DISEASE; NEUROFIBROMATOSIS, TYPE I, SOMATIC. Identifiers: Orphanet 636, MedGen C0027831, MONDO:0018975, OMIM 162200. Disease mechanism: loss of function.

Submission:

Women's Health and Genetics/Laboratory Corporation of America, LabCorp
Classification: Likely pathogenic for Neurofibromatosis, type 1. Last evaluated: 2023-03-23. Review status: criteria provided, single submitter. Criteria: LabCorp Variant Classification Summary - May 2015. Collection method: clinical testing. Allele origin: germline.
Comment: Variant summary: NF1 c.2099delC (p.Thr700MetfsX48) results in a premature termination codon, predicted to cause a truncation of the encoded protein or absence of the protein due to nonsense mediated decay, which are commonly known mechanisms for disease. Truncations downstream of this position have been classified as pathogenic by our laboratory. The variant was absent in 250974 control chromosomes (gnomAD). To our knowledge, no occurrence of c.2099delC in individuals affected with Neurofibromatosis Type 1 and no experimental evidence demonstrating its impact on protein function have been reported. No clinical diagnostic laboratories have submitted clinical-significance assessments for this variant to ClinVar after 2014. Based on the evidence outlined above, the variant was classified as likely pathogenic.